The following is an entry in ClinVar:

NM_078470.6(COX15):c.513G>T (p.Trp171Cys)

Gene: COX15 (cytochrome c oxidase assembly homolog COX15; minus strand). Cytogenetic location: 10q24.2.
Variant type: single nucleotide variant.
Coding change: c.513G>T on transcript NM_078470.6 (MANE Select); coding-DNA position 513, G replaced by T.
Protein change: p.Trp171Cys; replaces tryptophan 171 with cysteine.
Molecular consequence: missense variant. On other transcripts: 5 prime UTR variant (1), non-coding transcript variant (1).
Genome position (GRCh38, 1-based): chr10:99,727,037, C>A on the plus strand (G>T on the coding strand, the complement: COX15 is on the minus strand). VCF-style: chr10-99727037-C-A. GRCh37 (hg19) VCF-style: chr10-101486794-C-A.
Other names: c.513G>T, p.Trp171Cys (NM_001320974.2, NM_001320975.2, NM_001372024.1 and 5 more transcripts); c.-25G>T (NM_001320976.2); short protein forms W171C.
Identifiers: ClinVar variation 2175105 (VCV002175105.1), dbSNP rs757148138, ClinGen allele CA5642248.
Genomic context (GRCh38, chr10:99,727,037, plus strand): 5'-GACGAGGCCACAGAGGGCAAGAACACGTCCTTTCATGCCACGGCTGAGCCAGCCCTTTCT[C>A]CAAAAGTAGGCAGCAGGCAGGATGTACACAAGGCCTACAAGGCGACCCCACATTCGGTGT-3'
Protein context (NP_510870.1, residues 161-181): LVYILPAAYF[Trp171Cys]RKGWLSRGMK

ClinVar aggregate classification (germline): Uncertain significance (1 of 4 stars; one submission).

Allele frequency attached by ClinVar (database versions not stated): ExAC 0.00001; TOPMed 0.00001; gnomAD 0.00002; gnomAD exomes 0.00003.
gnomAD v4.1: 42 of 1,614,048 alleles (0.0026%); highest among the groups gnomAD compares: Non-Finnish European, 0.0036%; no homozygotes.

Submission:

Labcorp Genetics (formerly Invitae), Labcorp
Classification: Uncertain significance. Last evaluated: 2022-03-27. Review status: criteria provided, single submitter. Criteria: Invitae Variant Classification Sherloc (09022015). Collection method: clinical testing. Allele origin: germline.
Comment: This sequence change replaces tryptophan, which is neutral and slightly polar, with cysteine, which is neutral and slightly polar, at codon 171 of the COX15 protein (p.Trp171Cys). This variant is present in population databases (rs757148138, gnomAD 0.002%). This variant has not been reported in the literature in individuals affected with COX15-related conditions. Algorithms developed to predict the effect of missense changes on protein structure and function are either unavailable or do not agree on the potential impact of this missense change (SIFT: "Not Available"; PolyPhen-2: "Probably Damaging"; Align-GVGD: "Not Available"). Algorithms developed to predict the effect of sequence changes on RNA splicing suggest that this variant may disrupt the consensus splice site. In summary, the available evidence is currently insufficient to determine the role of this variant in disease. Therefore, it has been classified as a Variant of Uncertain Significance.